The following is an entry in ClinVar:

ClinVar aggregate classification (germline): Uncertain significance (1 of 4 stars; one submission).

Allele frequency attached by ClinVar (database versions not stated): gnomAD 0.00002 and 0.00005; gnomAD exomes 0.00007 and 0.00017; TOPMed 0.00009; ExAC 0.00032; 1000 Genomes Project 30x 0.00062; 1000 Genomes Project 0.00100.
gnomAD v4.1: 108 of 1,570,878 alleles (0.0069%); highest among the groups gnomAD compares: East Asian, 0.18%; 1 homozygote.

Submission:

Labcorp Genetics (formerly Invitae), Labcorp
Classification: Uncertain significance. Last evaluated: 2026-01-05. Review status: criteria provided, single submitter. Criteria: Invitae Variant Classification Sherloc (09022015). Collection method: clinical testing. Allele origin: germline.
Comment: This sequence change replaces isoleucine, which is neutral and non-polar, with threonine, which is neutral and polar, at codon 1011 of the MPDZ protein (p.Ile1011Thr). This variant is present in population databases (rs192785156, gnomAD 0.1%), including at least one homozygous and/or hemizygous individual. This missense change has been observed in individual(s) with clinical features of MPDZ-related conditions (PMID: 38292201). ClinVar contains an entry for this variant (Variation ID: 1424656). An algorithm developed to predict the effect of missense changes on protein structure and function (PolyPhen-2) suggests that this variant is likely to be tolerated. In summary, the available evidence is currently insufficient to determine the role of this variant in disease. Therefore, it has been classified as a Variant of Uncertain Significance.

Literature cited by the submitters: PubMed 38292201.

NM_001378778.1(MPDZ):c.3032T>C (p.Ile1011Thr)

Gene: MPDZ (multiple PDZ domain crumbs cell polarity complex component; minus strand). Cytogenetic location: 9p23.
Variant type: single nucleotide variant.
Coding change: c.3032T>C on transcript NM_001378778.1 (MANE Select); coding-DNA position 3032, T replaced by C.
Protein change: p.Ile1011Thr; replaces isoleucine 1011 with threonine.
Molecular consequence: missense variant.
Genome position (GRCh38, 1-based): chr9:13,175,775, A>G on the plus strand (T>C on the coding strand, the complement: MPDZ is on the minus strand). VCF-style: chr9-13175775-A-G. GRCh37 (hg19) VCF-style: chr9-13175774-A-G.
Other names: c.3032T>C, p.Ile1011Thr (NM_001261406.2, NM_001261407.2, NM_001330637.2 and 14 more transcripts); short protein forms I1011T.
Identifiers: ClinVar variation 1424656 (VCV001424656.4), dbSNP rs192785156, ClinGen allele CA4987294.